The following is an entry in ClinVar:

ClinVar aggregate classification (germline): Pathogenic (1 of 4 stars; one submission).

Submission:

Labcorp Genetics (formerly Invitae), Labcorp
Classification: Pathogenic. Last evaluated: 2022-08-01. Review status: criteria provided, single submitter. Criteria: Invitae Variant Classification Sherloc (09022015). Collection method: clinical testing. Allele origin: germline.
Comment: This variant results in the deletion of exon(s) 11-15 and part of exon 16 (c.1237-207_2077del) of the MTTP gene. It is expected to disrupt RNA splicing. Variants that disrupt the donor or acceptor splice site typically lead to a loss of protein function (PMID: 16199547), and loss-of-function variants in MTTP are known to be pathogenic (PMID: 8533758, 9671739). This variant has been observed in individual(s) with dyslipidemia (PMID: 28818680). This variant is also known as c.1237-204_2080del. This variant disrupts a region of the MTTP protein in which other variant(s) (p.Arg540His) have been determined to be pathogenic (PMID: 8939939, 10679949, 30522860). This suggests that this is a clinically significant region of the protein, and that variants that disrupt it are likely to be disease-causing. For these reasons, this variant has been classified as Pathogenic.

Literature cited by the submitters: PubMed 16199547; PubMed 8533758; PubMed 9671739; PubMed 28818680; PubMed 8939939; PubMed 10679949; PubMed 30522860.

NC_000004.11:g.(?_100522557)_(100534157_?)del

Gene: MTTP (microsomal triglyceride transfer protein; plus strand). Cytogenetic location: 4q23.
Variant type: Deletion.
Identifiers: ClinVar variation 2422677 (VCV002422677.2).